The following is an entry in ClinVar:

NM_001346754.2(PIGW):c.499A>G (p.Met167Val)

Genes: MYO19 (myosin XIX; minus strand), PIGW (phosphatidylinositol glycan anchor biosynthesis class W; plus strand). Cytogenetic location: 17q12.
Variant type: single nucleotide variant.
Coding change: c.499A>G on transcript NM_001346754.2 (MANE Select); coding-DNA position 499, A replaced by G.
Protein change: p.Met167Val; replaces methionine 167 with valine.
Molecular consequence: missense variant.
Genome position (GRCh38, 1-based): chr17:36,537,600, A>G. VCF-style: chr17-36537600-A-G. GRCh37 (hg19) VCF-style: chr17-34893449-A-G.
Other names: c.499A>G, p.Met167Val (NM_001346755.2, NM_178517.5); short protein forms M167V.
Identifiers: ClinVar variation 156157 (VCV000156157.2), dbSNP rs200024253, ClinGen allele CA170783.

ClinVar aggregate classification (germline): Uncertain significance. Review status: criteria provided, single submitter (1 of 4 stars). 2 submissions from 2 submitters: Uncertain significance (1). 1 of the submissions does not count toward it. Last evaluated 2020-12-22.

Conditions:
Hyperphosphatasia with intellectual disability syndrome 5 (GPIBD11). Also called: GLYCOSYLPHOSPHATIDYLINOSITOL BIOSYNTHESIS DEFECT 11. Identifiers: Orphanet 247262, MedGen C4014958, MONDO:0014457, OMIM 616025.

Allele frequency attached by ClinVar (database versions not stated): gnomAD exomes below 0.00001; TOPMed below 0.00001; gnomAD 0.00001; 1000 Genomes Project 30x 0.00016; 1000 Genomes Project 0.00020.
gnomAD v4.1: 1 of 1,614,130 alleles (0.000062%); highest among the groups gnomAD compares: East Asian, 0.0022%; no homozygotes.

Submissions (2):

Women's Health and Genetics/Laboratory Corporation of America, LabCorp
Classification: Uncertain significance. Last evaluated: 2020-12-22. Review status: criteria provided, single submitter. Criteria: LabCorp Variant Classification Summary - May 2015. Collection method: clinical testing. Allele origin: germline.
Comment: Variant summary: PIGW c.499A>G (p.Met167Val) results in a conservative amino acid change in the encoded protein sequence. Four of five in-silico tools predict a damaging effect of the variant on protein function. The variant allele was found at a frequency of 4e-06 in 251454 control chromosomes (gnomAD). c.499A>G has been reported in the literature in at least one individual affected with glycosylphosphatidylinositol anchor deficiency (Chiyonobu_2014). At least one publication reports experimental evidence evaluating an impact on protein function and showed that this variant affects the restoration of GPI-APs expression (Chiyonobu_2014). No clinical diagnostic laboratories have submitted clinical-significance assessments for this variant to ClinVar after 2014. Based on the evidence outlined above, the variant was classified as uncertain significance.

OMIM
Classification: Pathogenic for GLYCOSYLPHOSPHATIDYLINOSITOL BIOSYNTHESIS DEFECT 11. Last evaluated: 2014-03-01. Review status: no assertion criteria provided. Collection method: literature only. Allele origin: germline. Not counted in ClinVar's aggregate classification.

Literature cited by the submitters: PubMed 24367057 (cited by Women's Health and Genetics/Laboratory Corporation of America, LabCorp and OMIM); PubMed 32466763 (cited by Women's Health and Genetics/Laboratory Corporation of America, LabCorp).